The following is an entry in ClinVar:

NM_000059.4(BRCA2):c.5861C>T (p.Thr1954Ile)

Gene: BRCA2 (BRCA2 DNA repair associated; plus strand). Cytogenetic location: 13q13.1.
Variant type: single nucleotide variant.
Coding change: c.5861C>T on transcript NM_000059.4 (MANE Select); coding-DNA position 5861, C replaced by T.
Protein change: p.Thr1954Ile; replaces threonine 1954 with isoleucine.
Molecular consequence: missense variant.
Genome position (GRCh38, 1-based): chr13:32,340,216, C>T. VCF-style: chr13-32340216-C-T. GRCh37 (hg19) VCF-style: chr13-32914353-C-T.
Other names: short protein forms T1954I.
Identifiers: ClinVar variation 409467 (VCV000409467.15), dbSNP rs1060502413, ClinGen allele CA16613983.
Genomic context (GRCh38, chr13:32,340,216, plus strand): 5'-AAAATATGTCTGGATTGGAGAAAGTTTCTAAAATATCACCTTGTGATGTTAGTTTGGAAA[C>T]TTCAGATATATGTAAATGTAGTATAGGGAAGCTTCATAAGTCAGTCTCATCTGCAAATAC-3'
Protein context (NP_000050.3, residues 1944-1964): KISPCDVSLE[Thr1954Ile]SDICKCSIGK

ClinVar aggregate classification (germline): Conflicting classifications of pathogenicity. Review status: criteria provided, conflicting classifications (1 of 4 stars). 4 submissions from 4 submitters: Uncertain significance (2); Likely benign (1). 1 of the submissions does not count toward it. Last evaluated 2023-03-23.

Conditions:
Hereditary breast ovarian cancer syndrome. Also called: Hereditary breast and ovarian cancer; Hereditary breast and/or ovarian cancer syndrome; BRCA1- and BRCA2-Associated Hereditary Breast and Ovarian Cancer; Hereditary breast and ovarian cancer syndrome; Hereditary breast and ovarian cancer syndrome (HBOC); Breast and ovarian cancer. Identifiers: Orphanet 145, MedGen C0677776, MeSH D061325, MONDO:0003582. Disease mechanism: loss of function.
Malignant tumor of breast. Also called: Malignant breast neoplasm; Cancer breast. Identifiers: MedGen C0006142, MONDO:0007254. Disease mechanism: loss of function.
Hereditary cancer-predisposing syndrome. Also called: Tumor predisposition; Hereditary Cancer Syndrome; Hereditary neoplastic syndrome; Neoplastic Syndromes, Hereditary. Identifiers: Orphanet 140162, MedGen C0027672, MeSH D009386, MONDO:0015356.

Allele frequency attached by ClinVar (database versions not stated): gnomAD exomes below 0.00001.
gnomAD v4.1: 1 of 1,613,892 alleles (0.000062%); highest among the groups gnomAD compares: Non-Finnish European, 0.000085%; no homozygotes.

Submissions (4):

University of Washington Department of Laboratory Medicine, University of Washington
Classification: Likely benign for Hereditary cancer-predisposing syndrome. Last evaluated: 2023-03-23. Review status: criteria provided, single submitter. Criteria: Dines et al. (Genet Med. 2020). Collection method: curation. Allele origin: germline.
Comment: Missense variant in a coldspot region where missense variants are very unlikely to be pathogenic (PMID:31911673).

BRCA2 exon 11 coldspot. Reclassification based on statistical prior probability.

Color Diagnostics, LLC DBA Color Health
Classification: Uncertain significance for Hereditary cancer-predisposing syndrome. Last evaluated: 2020-09-15. Review status: criteria provided, single submitter. Criteria: ACMG Guidelines, 2015. Collection method: clinical testing. Allele origin: germline.
Comment: This missense variant replaces threonine with isoleucine at codon 1954 of the BRCA2 protein. Computational prediction suggests that this variant may not impact protein structure and function (internally defined REVEL score threshold <= 0.5, PMID: 27666373). To our knowledge, functional studies have not been reported for this variant. This variant has not been reported in individuals affected with hereditary cancer in the literature. This variant has not been identified in the general population by the Genome Aggregation Database (gnomAD). The available evidence is insufficient to determine the role of this variant in disease conclusively. Therefore, this variant is classified as a Variant of Uncertain Significance.

Labcorp Genetics (formerly Invitae), Labcorp
Classification: Uncertain significance for Hereditary breast ovarian cancer syndrome. Last evaluated: 2016-10-31. Review status: criteria provided, single submitter. Criteria: Invitae Variant Classification Sherloc (09022015). Collection method: clinical testing. Allele origin: germline.
Comment: In summary, this variant is a novel missense change that is not predicted to affect protein function. There is no indication that it causes disease, but the available evidence is currently insufficient to prove that conclusively. Therefore, it has been classified as a Variant of Uncertain Significance. Algorithms developed to predict the effect of missense changes on protein structure and function (SIFT, PolyPhen-2, Align-GVGD) all suggest that this variant is likely to be tolerated, but these predictions have not been confirmed by published functional studies. This variant is not present in population databases (ExAC no frequency) and has not been reported in the literature in individuals with a BRCA2-related disease. This sequence change replaces threonine with isoleucine at codon 1954 of the BRCA2 protein (p.Thr1954Ile). The threonine residue is moderately conserved and there is a moderate physicochemical difference between threonine and isoleucine.

Department of Pathology and Laboratory Medicine, Sinai Health System
Classification: Uncertain significance for Malignant tumor of breast. Review status: no assertion criteria provided. Collection method: clinical testing. Allele origin: unknown. Affected: yes. Study: The Canadian Open Genetics Repository (COGR). Not counted in ClinVar's aggregate classification.
Comment: The p.Thr1954Ile variant was not identified in the literature, nor was it identified in the dbSNP, NHLBI Exome Sequencing Project (Exome Variant Server), Exome Aggregation Consortium (ExAC), HGMD, LOVD, COSMIC, ClinVar, Clinvitae, ARUP Laboratories BRCA Mutations Database, GeneInsight COGR, BIC or BRCA Share. The p.Thr1954 residue is conserved in mammals but not in other organisms, and computational analyses (PolyPhen-2, SIFT, AlignGVGD, BLOSUM, MutationTaster) provide inconsistent predictions regarding the impact to the protein; this information is not very predictive of pathogenicity. The variant occurs outside of the splicing consensus sequence and in silico or computational prediction software programs (SpliceSiteFinder, MaxEntScan, NNSPLICE, GeneSplicer, HumanSpliceFinder) do not predict a difference in splicing. In summary, based on the above information, the clinical significance of this variant cannot be determined with certainty at this time. This variant is classified as a variant of unknown significance.